The following is an entry in ClinVar:

ClinVar aggregate classification (germline): Uncertain significance (1 of 4 stars; one submission).

Conditions:
Hereditary cancer-predisposing syndrome. Also called: Neoplastic Syndromes, Hereditary; Tumor predisposition; Hereditary Cancer Syndrome; Hereditary neoplastic syndrome. Identifiers: Orphanet 140162, MedGen C0027672, MeSH D009386, MONDO:0015356.

Submission:

Ambry Genetics
Classification: Uncertain significance for Hereditary cancer-predisposing syndrome. Last evaluated: 2018-06-15. Review status: criteria provided, single submitter. Criteria: Ambry Variant Classification Scheme 2023. Collection method: clinical testing. Allele origin: germline.
Comment: The c.-5G>C variant is located in the 5' untranslated region (5&rsquo; UTR) of the POLD1 gene. This variant results from a G to C substitution 5 bases upstream from the first translated codon. This nucleotide position is well conserved in available vertebrate species. Since supporting evidence is limited at this time, the clinical significance of this alteration remains unclear.

NM_002691.4(POLD1):c.-5G>C

Gene: POLD1 (DNA polymerase delta 1, catalytic subunit; plus strand). Cytogenetic location: 19q13.33.
Variant type: single nucleotide variant.
Coding change: c.-5G>C on transcript NM_002691.4 (MANE Select); 5 bases upstream of the start codon, G replaced by C.
Molecular consequence: 5 prime UTR variant. On other transcripts: non-coding transcript variant (1).
Genome position (GRCh38, 1-based): chr19:50,384,387, G>C. VCF-style: chr19-50384387-G-C. GRCh37 (hg19) VCF-style: chr19-50887644-G-C.
Other names: c.-8G>C (NM_001256849.1).
Identifiers: ClinVar variation 484422 (VCV000484422.5), dbSNP rs1555786763, ClinGen allele CA658658854.
Genomic context (GRCh38, chr19:50,384,387, plus strand): 5'-TGCGCGCGCGGGAGTCAGGGGTCACGGCGGCGTAGGCTGTGGCGGGAAACGCTGTTTGAA[G>C]CGGGTGAGTAGAGGGGAAAAAGGGAGTTCGGGGCAGTGGGCCTGGTAGGGAACGGGGCTT-3'